The following is an entry in ClinVar:

ClinVar aggregate classification (germline): Benign. Review status: criteria provided, multiple submitters, no conflicts (2 of 4 stars). 4 submissions from 4 submitters: Benign (3). 1 of the submissions does not count toward it. Last evaluated 2026-02-03.

Conditions:
PACS2-related disorder. Also called: PACS2-related condition.

Allele frequency attached by ClinVar (database versions not stated): 1000 Genomes Project 0.00699; 1000 Genomes Project 30x 0.00750; gnomAD 0.01505 and 0.01572; TOPMed 0.01573; gnomAD exomes 0.01655 and 0.02041; ExAC 0.01668; ESP Exome Variant Server 0.01792.
gnomAD v4.1: 32,171 of 1,613,084 alleles (2%); highest among the groups gnomAD compares: Middle Eastern, 3.5%; 377 homozygotes.

Submissions (24):

Labcorp Genetics (formerly Invitae), Labcorp
Classification: Benign. Last evaluated: 2026-02-03. Review status: criteria provided, single submitter. Criteria: Invitae Variant Classification Sherloc (09022015). Collection method: clinical testing. Allele origin: germline.

Mayo Clinic Laboratories, Mayo Clinic
Classification: Benign. Last evaluated: 2023-09-12. Review status: criteria provided, single submitter. Criteria: ACMG Guidelines, 2015. Collection method: clinical testing. Allele origin: germline. Observed: 6 variant alleles.
Comment: BS1, BS2, BP4

Breakthrough Genomics
Classification: Benign. Review status: criteria provided, single submitter. Criteria: ACMG Guidelines, 2015. Collection method: not provided. Allele origin: germline. Inheritance: Autosomal dominant inheritance. Affected: yes.

PreventionGenetics, part of Exact Sciences
Classification: Benign for PACS2-related condition. Last evaluated: 2021-02-11. Review status: no assertion criteria provided. Collection method: clinical testing. Allele origin: germline. Not counted in ClinVar's aggregate classification.
Comment: This variant is classified as benign based on ACMG/AMP sequence variant interpretation guidelines (Richards et al. 2015 PMID: 25741868, with internal and published modifications).

Dr. Peter K. Rogan Lab, Western University
No classification provided (evidence only). Condition: Clear cell carcinoma of kidney. Review status: no classification provided. Collection method: in vitro. Allele origin: not applicable. Functional consequence: retained intron. Not counted in ClinVar's aggregate classification.

Dr. Peter K. Rogan Lab, Western University
No classification provided (evidence only). Condition: Lung cancer. Review status: no classification provided. Collection method: in vitro. Allele origin: not applicable. Functional consequence: retained intron. Not counted in ClinVar's aggregate classification.

Dr. Peter K. Rogan Lab, Western University
No classification provided (evidence only). Condition: Melanoma. Review status: no classification provided. Collection method: in vitro. Allele origin: not applicable. Functional consequence: retained intron. Not counted in ClinVar's aggregate classification.

Dr. Peter K. Rogan Lab, Western University
No classification provided (evidence only). Condition: Melanoma. Review status: no classification provided. Collection method: in vitro. Allele origin: not applicable. Functional consequence: retained intron. Not counted in ClinVar's aggregate classification.

Dr. Peter K. Rogan Lab, Western University
No classification provided (evidence only). Condition: Melanoma. Review status: no classification provided. Collection method: in vitro. Allele origin: not applicable. Functional consequence: retained intron. Not counted in ClinVar's aggregate classification.

Dr. Peter K. Rogan Lab, Western University
No classification provided (evidence only). Condition: Melanoma. Review status: no classification provided. Collection method: in vitro. Allele origin: not applicable. Functional consequence: retained intron. Not counted in ClinVar's aggregate classification.

Dr. Peter K. Rogan Lab, Western University
No classification provided (evidence only). Condition: Colon adenocarcinoma. Review status: no classification provided. Collection method: in vitro. Allele origin: not applicable. Functional consequence: retained intron. Not counted in ClinVar's aggregate classification.

Dr. Peter K. Rogan Lab, Western University
No classification provided (evidence only). Condition: Thyroid cancer, nonmedullary, 1. Review status: no classification provided. Collection method: in vitro. Allele origin: not applicable. Functional consequence: retained intron. Not counted in ClinVar's aggregate classification.

Dr. Peter K. Rogan Lab, Western University
No classification provided (evidence only). Condition: Thyroid cancer, nonmedullary, 1. Review status: no classification provided. Collection method: in vitro. Allele origin: not applicable. Functional consequence: retained intron. Not counted in ClinVar's aggregate classification.

Dr. Peter K. Rogan Lab, Western University
No classification provided (evidence only). Condition: Cervical cancer. Review status: no classification provided. Collection method: in vitro. Allele origin: not applicable. Functional consequence: skipped exon. Not counted in ClinVar's aggregate classification.

Dr. Peter K. Rogan Lab, Western University
No classification provided (evidence only). Condition: Nonpapillary renal cell carcinoma. Review status: no classification provided. Collection method: in vitro. Allele origin: not applicable. Functional consequence: retained intron. Not counted in ClinVar's aggregate classification.

Dr. Peter K. Rogan Lab, Western University
No classification provided (evidence only). Condition: Nonpapillary renal cell carcinoma. Review status: no classification provided. Collection method: in vitro. Allele origin: not applicable. Functional consequence: retained intron. Not counted in ClinVar's aggregate classification.

Dr. Peter K. Rogan Lab, Western University
No classification provided (evidence only). Condition: Thymoma. Review status: no classification provided. Collection method: in vitro. Allele origin: not applicable. Functional consequence: retained intron. Not counted in ClinVar's aggregate classification.

Dr. Peter K. Rogan Lab, Western University
No classification provided (evidence only). Condition: Thymoma. Review status: no classification provided. Collection method: in vitro. Allele origin: not applicable. Functional consequence: retained intron. Not counted in ClinVar's aggregate classification.

Dr. Peter K. Rogan Lab, Western University
No classification provided (evidence only). Condition: Adrenocortical carcinoma, hereditary. Review status: no classification provided. Collection method: in vitro. Allele origin: not applicable. Functional consequence: retained intron. Not counted in ClinVar's aggregate classification.

Dr. Peter K. Rogan Lab, Western University
No classification provided (evidence only). Condition: Uveal melanoma. Review status: no classification provided. Collection method: in vitro. Allele origin: not applicable. Functional consequence: retained intron. Not counted in ClinVar's aggregate classification.

Dr. Peter K. Rogan Lab, Western University
No classification provided (evidence only). Condition: Malignant tumor of esophagus. Review status: no classification provided. Collection method: in vitro. Allele origin: not applicable. Functional consequence: retained intron. Not counted in ClinVar's aggregate classification.

Dr. Peter K. Rogan Lab, Western University
No classification provided (evidence only). Condition: Malignant tumor of esophagus. Review status: no classification provided. Collection method: in vitro. Allele origin: not applicable. Functional consequence: retained intron. Not counted in ClinVar's aggregate classification.

Dr. Peter K. Rogan Lab, Western University
No classification provided (evidence only). Condition: Malignant tumor of esophagus. Review status: no classification provided. Collection method: in vitro. Allele origin: not applicable. Functional consequence: retained intron. Not counted in ClinVar's aggregate classification.

Dr. Peter K. Rogan Lab, Western University
No classification provided (evidence only). Condition: Malignant tumor of esophagus. Review status: no classification provided. Collection method: in vitro. Allele origin: not applicable. Functional consequence: retained intron. Not counted in ClinVar's aggregate classification.

NM_001100913.3(PACS2):c.497C>T (p.Ala166Val)

Gene: PACS2 (phosphofurin acidic cluster sorting protein 2; plus strand). Cytogenetic location: 14q32.33.
Variant type: single nucleotide variant.
Coding change: c.497C>T on transcript NM_001100913.3 (MANE Select); coding-DNA position 497, C replaced by T.
Protein change: p.Ala166Val; replaces alanine 166 with valine.
Molecular consequence: missense variant.
Genome position (GRCh38, 1-based): chr14:105,367,286, C>T. VCF-style: chr14-105367286-C-T. GRCh37 (hg19) VCF-style: chr14-105833623-C-T.
Other names: p.Ala166Val; c.497C>T (NM_001100913.2); c.296C>T, p.Ala99Val (NM_001243127.3); c.497C>T, p.Ala166Val (NM_015197.4); short protein forms A166V, A99V.
Identifiers: ClinVar variation 1557090 (VCV001557090.13), dbSNP rs111376436, ClinGen allele CA7388396.